The following is an entry in ClinVar:

NM_000245.4(MET):c.3097C>G (p.Pro1033Ala)

Gene: MET (MET proto-oncogene, receptor tyrosine kinase; plus strand). Cytogenetic location: 7q31.2.
Variant type: single nucleotide variant.
Coding change: c.3097C>G on transcript NM_000245.4 (MANE Select); coding-DNA position 3097, C replaced by G.
Protein change: p.Pro1033Ala; replaces proline 1033 with alanine.
Molecular consequence: missense variant.
Genome position (GRCh38, 1-based): chr7:116,774,949, C>G. VCF-style: chr7-116774949-C-G. GRCh37 (hg19) VCF-style: chr7-116415003-C-G.
Other names: c.3151C>G, p.Pro1051Ala (NM_001127500.3); c.1807C>G, p.Pro603Ala (NM_001324402.2); short protein forms P1033A, P1051A, P603A.
Identifiers: ClinVar variation 852867 (VCV000852867.9), dbSNP rs1294910019, ClinGen allele CA368988084.

ClinVar aggregate classification (germline): Uncertain significance (1 of 4 stars; one submission).

Conditions:
Renal cell carcinoma. Identifiers: Orphanet 217071, MedGen C0007134, MeSH D002292, MONDO:0005086, HP:0005584.

Submission:

Labcorp Genetics (formerly Invitae), Labcorp
Classification: Uncertain significance for Renal cell carcinoma. Last evaluated: 2025-08-11. Review status: criteria provided, single submitter. Criteria: Invitae Variant Classification Sherloc (09022015). Collection method: clinical testing. Allele origin: germline.
Comment: This sequence change replaces proline, which is neutral and non-polar, with alanine, which is neutral and non-polar, at codon 1051 of the MET protein (p.Pro1051Ala). This variant is not present in population databases (gnomAD no frequency). This variant has not been reported in the literature in individuals affected with MET-related conditions. ClinVar contains an entry for this variant (Variation ID: 852867). An algorithm developed to predict the effect of missense changes on protein structure and function (PolyPhen-2) suggests that this variant is likely to be disruptive. In summary, the available evidence is currently insufficient to determine the role of this variant in disease. Therefore, it has been classified as a Variant of Uncertain Significance.